The following is an entry in ClinVar:

NM_013266.4(CTNNA3):c.59C>T (p.Thr20Ile)

Gene: CTNNA3 (catenin alpha 3; minus strand). Cytogenetic location: 10q21.3.
Variant type: single nucleotide variant.
Coding change: c.59C>T on transcript NM_013266.4 (MANE Select); coding-DNA position 59, C replaced by T.
Protein change: p.Thr20Ile; replaces threonine 20 with isoleucine.
Molecular consequence: missense variant.
Genome position (GRCh38, 1-based): chr10:67,647,455, G>A on the plus strand (C>T on the coding strand, the complement: CTNNA3 is on the minus strand). VCF-style: chr10-67647455-G-A. GRCh37 (hg19) VCF-style: chr10-69407213-G-A.
Other names: c.59C>T, p.Thr20Ile (NM_001127384.3); c.95C>T, p.Thr32Ile (NM_001291133.2); short protein forms T20I, T32I.
Identifiers: ClinVar variation 2722424 (VCV002722424.3), dbSNP rs763372062, ClinGen allele CA5520724.

ClinVar aggregate classification (germline): Uncertain significance (1 of 4 stars; one submission).

Conditions:
Arrhythmogenic right ventricular dysplasia 13. Also called: Arrhythmogenic right ventricular dysplasia, familial, 13; ARRHYTHMOGENIC RIGHT VENTRICULAR CARDIOMYOPATHY 13. Identifiers: MedGen C3810138, MONDO:0000908, OMIM 615616.

Allele frequency attached by ClinVar (database versions not stated): TOPMed below 0.00001; ExAC 0.00001; gnomAD 0.00001; gnomAD exomes 0.00001.
gnomAD v4.1: 5 of 1,613,346 alleles (0.00031%); highest among the groups gnomAD compares: Admixed American, 0.0067%; no homozygotes.

Submission:

Labcorp Genetics (formerly Invitae), Labcorp
Classification: Uncertain significance for Arrhythmogenic right ventricular dysplasia 13. Last evaluated: 2025-07-21. Review status: criteria provided, single submitter. Criteria: Invitae Variant Classification Sherloc (09022015). Collection method: clinical testing. Allele origin: germline.
Comment: This sequence change replaces threonine, which is neutral and polar, with isoleucine, which is neutral and non-polar, at codon 20 of the CTNNA3 protein (p.Thr20Ile). This variant is present in population databases (rs763372062, gnomAD 0.006%). This variant has not been reported in the literature in individuals affected with CTNNA3-related conditions. ClinVar contains an entry for this variant (Variation ID: 2722424). Invitae Evidence Modeling of protein sequence and biophysical properties (such as structural, functional, and spatial information, amino acid conservation, physicochemical variation, residue mobility, and thermodynamic stability) indicates that this missense variant is expected to disrupt CTNNA3 protein function with a positive predictive value of 80%. In summary, the available evidence is currently insufficient to determine the role of this variant in disease. Therefore, it has been classified as a Variant of Uncertain Significance.